The following is an entry in ClinVar:

NM_005655.4(KLF10):c.1007C>T (p.Pro336Leu)

Gene: KLF10 (KLF transcription factor 10; minus strand). Cytogenetic location: 8q22.3.
Variant type: single nucleotide variant.
Coding change: c.1007C>T on transcript NM_005655.4 (MANE Select); coding-DNA position 1007, C replaced by T.
Protein change: p.Pro336Leu; replaces proline 336 with leucine.
Molecular consequence: missense variant.
Genome position (GRCh38, 1-based): chr8:102,651,325, G>A on the plus strand (C>T on the coding strand, the complement: KLF10 is on the minus strand). VCF-style: chr8-102651325-G-A. GRCh37 (hg19) VCF-style: chr8-103663553-G-A.
Other names: c.974C>T, p.Pro325Leu (NM_001032282.4); c.1007C>T (NM_005655.2); short protein forms P325L, P336L.
Identifiers: ClinVar variation 2628901 (VCV002628901.3), dbSNP rs778787697, ClinGen allele CA4833492.

ClinVar aggregate classification (germline): Uncertain significance. Review status: criteria provided, multiple submitters, no conflicts (2 of 4 stars). 3 submissions from 3 submitters: Uncertain significance (3). Last evaluated 2025-03-19.

Conditions:
KLF10-related disorder. Also called: KLF10-related condition.

Allele frequency attached by ClinVar (database versions not stated): ExAC 0.00001.
gnomAD v4.1: 20 of 1,598,568 alleles (0.0013%); highest among the groups gnomAD compares: Middle Eastern, 0.017%; no homozygotes.

Submissions (3):

Labcorp Genetics (formerly Invitae), Labcorp
Classification: Uncertain significance. Last evaluated: 2025-03-19. Review status: criteria provided, single submitter. Criteria: Invitae Variant Classification Sherloc (09022015). Collection method: clinical testing. Allele origin: germline.
Comment: This sequence change replaces proline, which is neutral and non-polar, with leucine, which is neutral and non-polar, at codon 336 of the KLF10 protein (p.Pro336Leu). This variant is present in population databases (rs778787697, gnomAD 0.007%). This variant has not been reported in the literature in individuals affected with KLF10-related conditions. ClinVar contains an entry for this variant (Variation ID: 2628901). An algorithm developed to predict the effect of missense changes on protein structure and function (PolyPhen-2) suggests that this variant is likely to be disruptive. In summary, the available evidence is currently insufficient to determine the role of this variant in disease. Therefore, it has been classified as a Variant of Uncertain Significance.

Ambry Genetics
Classification: Uncertain significance. Last evaluated: 2024-04-24. Review status: criteria provided, single submitter. Criteria: Ambry Variant Classification Scheme 2023. Collection method: clinical testing. Allele origin: germline.

PreventionGenetics, part of Exact Sciences
Classification: Uncertain significance for KLF10-related condition. Last evaluated: 2022-12-14. Review status: criteria provided, single submitter. Criteria: ACMG Guidelines, 2015. Collection method: clinical testing. Allele origin: germline.
Comment: The KLF10 c.1007C>T variant is predicted to result in the amino acid substitution p.Pro336Leu. To our knowledge, this variant has not been reported in the literature. This variant is reported in 0.0064% of alleles in individuals of Latino descent in gnomAD. At this time, the clinical significance of this variant is uncertain due to the absence of conclusive functional and genetic evidence.